The following is an entry in ClinVar:

NM_000038.6(APC):c.3054_3063del (p.Asp1018fs)

Gene: APC (APC regulator of Wnt signaling pathway; plus strand). Cytogenetic location: 5q22.2.
Variant type: Deletion.
Coding change: c.3054_3063del on transcript NM_000038.6 (MANE Select); coding-DNA positions 3054 to 3063, 10 bases deleted (TGGAGAACTA; older notation c.3054_3063delTGGAGAACTA).
Protein change: p.Asp1018fs; shifts the reading frame from aspartic acid 1018.
Molecular consequence: frameshift variant.
Genome position (GRCh38, 1-based): chr5:112,838,648-112,838,657, TGGAGAACTA deleted; deleting any 10 consecutive bases within chr5:112,838,647-112,838,657 gives the same sequence; the c. name uses the placement nearest the transcript's 3' end. VCF-style (leftmost placement, unchanged base first): chr5-112838646-GATGGAGAACT-G. GRCh37 (hg19) VCF-style: chr5-112174343-GATGGAGAACT-G.
Other names: c.3054_3063del, p.Asp1018fs (NM_001127510.3, NM_001354895.2); c.3000_3009del, p.Asp1000fs (NM_001127511.3); c.3108_3117del, p.Asp1036fs (NM_001354896.2); c.3084_3093del, p.Asp1028fs (NM_001354897.2); c.2979_2988del, p.Asp993fs (NM_001354898.2); c.2970_2979del, p.Asp990fs (NM_001354899.2); c.2931_2940del, p.Asp977fs (NM_001354900.2); c.2877_2886del, p.Asp959fs (NM_001354901.2); and 5 more; short protein forms D1036fs, D858fs, D993fs, D735fs, D977fs, D990fs, D892fs, D917fs.
Identifiers: ClinVar variation 217959 (VCV000217959.8), dbSNP rs863225336, ClinGen allele CA279772.

ClinVar aggregate classification (germline): Pathogenic. Review status: criteria provided, single submitter (1 of 4 stars). 2 submissions from 2 submitters: Pathogenic (1). 1 of the submissions does not count toward it. Last evaluated 2024-01-03.

Conditions:
Familial adenomatous polyposis 1 (FAP1). Also called: FAMILIAL ADENOMATOUS POLYPOSIS 1, ATTENUATED; POLYPOSIS, ADENOMATOUS INTESTINAL. Identifiers: MedGen C2713442, MONDO:0021056, OMIM 175100. Disease mechanism: loss of function.

Submissions (2):

Labcorp Genetics (formerly Invitae), Labcorp
Classification: Pathogenic for Familial adenomatous polyposis 1. Last evaluated: 2024-01-03. Review status: criteria provided, single submitter. Criteria: Invitae Variant Classification Sherloc (09022015). Collection method: clinical testing. Allele origin: germline.
Comment: This sequence change creates a premature translational stop signal (p.Asp1018Glufs*5) in the APC gene. While this is not anticipated to result in nonsense mediated decay, it is expected to disrupt the last 1826 amino acid(s) of the APC protein. This variant is not present in population databases (gnomAD no frequency). This variant has not been reported in the literature in individuals affected with APC-related conditions. ClinVar contains an entry for this variant (Variation ID: 217959). This variant is expected to disrupt the EB1 and HDLG binding sites, which mediate interactions with the cytoskeleton (PMID: 15311282, 17293347). While functional studies have not been performed to directly test the effect on APC protein function, this suggests that disruption of the C-terminal portion of the protein is functionally important. A different truncation (p.Tyr2645Lysfs*14) that lies downstream of this variant has been determined to be pathogenic (PMID: 9824584, 1316610, 27081525, 8381579, 22135120, Invitae). This suggests that deletion of this region of the APC protein is causative of disease. For these reasons, this variant has been classified as Pathogenic.

Mayo Clinic Laboratories, Mayo Clinic
Classification: Likely pathogenic. Review status: no assertion criteria provided. Collection method: research. Allele origin: unknown. Observed: 1 variant allele. Not counted in ClinVar's aggregate classification.

Literature cited by the submitters: PubMed 15311282 (cited by Labcorp Genetics (formerly Invitae), Labcorp); PubMed 17293347 (cited by Labcorp Genetics (formerly Invitae), Labcorp); PubMed 9824584 (cited by Labcorp Genetics (formerly Invitae), Labcorp); PubMed 1316610 (cited by Labcorp Genetics (formerly Invitae), Labcorp); PubMed 27081525 (cited by Labcorp Genetics (formerly Invitae), Labcorp); PubMed 8381579 (cited by Labcorp Genetics (formerly Invitae), Labcorp); PubMed 22135120 (cited by Labcorp Genetics (formerly Invitae), Labcorp).